The following is an entry in ClinVar:

ClinVar aggregate classification (germline): Conflicting classifications of pathogenicity. Review status: criteria provided, conflicting classifications (1 of 4 stars). 2 submissions from 2 submitters: Uncertain significance (1); Likely benign (1). Last evaluated 2022-08-01.

Allele frequency attached by ClinVar (database versions not stated): gnomAD exomes 0.00007; ESP Exome Variant Server 0.00008; gnomAD 0.00013; TOPMed 0.00014; ExAC 0.00023.
gnomAD v4.1: 123 of 1,491,028 alleles (0.0082%); highest among the groups gnomAD compares: Middle Eastern, 0.38%; no homozygotes.

Submissions (2):

CeGaT Center for Human Genetics Tuebingen
Classification: Likely benign. Last evaluated: 2022-08-01. Review status: criteria provided, single submitter. Criteria: CeGaT Center For Human Genetics Tuebingen Variant Classification Criteria Version 2. Collection method: clinical testing. Allele origin: germline. Affected: yes. Observed: 1 variant allele.
Comment: DLGAP2: BP4

Ambry Genetics
Classification: Uncertain significance. Last evaluated: 2021-10-26. Review status: criteria provided, single submitter. Criteria: Ambry Variant Classification Scheme 2023. Collection method: clinical testing. Allele origin: germline.

NM_001346810.2(DLGAP2):c.1813G>A (p.Val605Ile)

Gene: DLGAP2 (DLG associated protein 2; plus strand). Cytogenetic location: 8p23.3.
Variant type: single nucleotide variant.
Coding change: c.1813G>A on transcript NM_001346810.2 (MANE Select); coding-DNA position 1813, G replaced by A.
Protein change: p.Val605Ile; replaces valine 605 with isoleucine.
Molecular consequence: missense variant.
Genome position (GRCh38, 1-based): chr8:1,668,331, G>A. VCF-style: chr8-1668331-G-A. GRCh37 (hg19) VCF-style: chr8-1616497-G-A.
Other names: NM_004745.3:c.1573G>A; short protein forms V605I.
Identifiers: ClinVar variation 2278817 (VCV002278817.26), dbSNP rs376920234, ClinGen allele CA4598642.